The following is an entry in ClinVar:

NM_030632.3(ASXL3):c.3315_3318del (p.Thr1106fs)

Gene: ASXL3 (ASXL transcriptional regulator 3; plus strand). Cytogenetic location: 18q12.1.
Variant type: Deletion.
Coding change: c.3315_3318del on transcript NM_030632.3 (MANE Select); coding-DNA positions 3315 to 3318, 4 bases deleted (GACA; older notation c.3315_3318delGACA).
Protein change: p.Thr1106fs; shifts the reading frame from threonine 1106.
Molecular consequence: frameshift variant.
Genome position (GRCh38, 1-based): chr18:33,743,163-33,743,166, GACA deleted; deleting any 4 consecutive bases within chr18:33,743,161-33,743,166 gives the same sequence; the c. name uses the placement nearest the transcript's 3' end. VCF-style (leftmost placement, unchanged base first): chr18-33743160-GCAGA-G. GRCh37 (hg19) VCF-style: chr18-31323124-GCAGA-G.
Other names: c.3315_3318delGACA (NM_030632.3); short protein forms T1106fs.
Identifiers: ClinVar variation 984875 (VCV000984875.3), dbSNP rs2067694467, ClinGen allele CA1139666027.

ClinVar aggregate classification (germline): Pathogenic (1 of 4 stars; one submission).

Conditions:
Inborn genetic diseases. Identifiers: MedGen C0950123, MeSH D030342.
Bainbridge-Ropers syndrome. Also called: Severe feeding difficulties-failure to thrive-microcephaly due to ASXL3 deficiency syndrome. Identifiers: Orphanet 352577, MedGen C4750837, MONDO:0014205, OMIM 615485.

Submission:

Ambry Genetics
Classification: Pathogenic for Inborn genetic diseases. Last evaluated: 2018-03-01. Review status: criteria provided, single submitter. Criteria: Ambry exome assertion method (8-5-2015). Collection method: clinical testing. Allele origin: germline. Affected: yes. Observed: 1 variant allele.

Literature cited by the submitters: PubMed 28100473 (cited by Ambry Genetics); PubMed 26647312 (cited by Ambry Genetics).